The following is an entry in ClinVar:

ClinVar aggregate classification (germline): Uncertain significance. Review status: criteria provided, multiple submitters, no conflicts (2 of 4 stars). 7 submissions from 3 submitters: Uncertain significance (7). Last evaluated 2026-04-29.

Conditions:
Tibial muscular dystrophy (TMD). Also called: Udd Distal Myopathy – Tibial Muscular Dystrophy; UDD MYOPATHY; Tibial muscular dystrophy, tardive. Identifiers: Orphanet 609, MedGen C1838244, MONDO:0010870, OMIM 600334.
Early-onset myopathy with fatal cardiomyopathy (CMYO5). Also called: CONGENITAL MYOPATHY 5 WITH CARDIOMYOPATHY; Salih Myopathy. Identifiers: Orphanet 289377, MedGen C2673677, MONDO:0012714, OMIM 611705. Disease mechanism: loss of function.
Dilated cardiomyopathy 1G (CMD1G). Identifiers: Orphanet 154, MedGen C1858763, MONDO:0011400, OMIM 604145.
Myopathy, myofibrillar, 9, with early respiratory failure (MFM9). Also called: Myopathy, distal, with early respiratory failure, autosomal dominant; Hereditary myopathy with early respiratory failure; EDSTROM MYOPATHY; MYOPATHY, PROXIMAL, WITH EARLY RESPIRATORY MUSCLE INVOLVEMENT. Identifiers: Orphanet 178464, Orphanet 34521, MedGen C1863599, MONDO:0011362, OMIM 603689.
Autosomal recessive limb-girdle muscular dystrophy type 2J (LGMDR10). Also called: MUSCULAR DYSTROPHY, LIMB-GIRDLE, AUTOSOMAL RECESSIVE 10; Limb-girdle muscular dystrophy, type 2J. Identifiers: Orphanet 140922, MedGen C1837342, MONDO:0012127, OMIM 608807.

Allele frequency attached by ClinVar (database versions not stated): TOPMed 0.00002.
gnomAD v4.1: 15 of 1,613,652 alleles (0.00093%); highest among the groups gnomAD compares: Non-Finnish European, 0.0013%; 1 homozygote.

Submissions (7):

Women's Health and Genetics/Laboratory Corporation of America, LabCorp
Classification: Uncertain significance. Last evaluated: 2026-04-29. Review status: criteria provided, single submitter. Criteria: LabCorp Variant Classification Summary - May 2015. Collection method: clinical testing. Allele origin: germline.
Comment: Variant summary: TTN c.90820G>T (p.Ala30274Ser) results in a conservative amino acid change in the encoded protein sequence. Algorithms developed to predict the effect of missense changes on protein structure and function are either unavailable or do not agree on the potential impact of this missense change. The variant allele was found at a frequency of 1.6e-05 in 248872 control chromosomes in the gnomAD database, including 1 homozygote. The available data on variant occurrences in the general population are insufficient to allow any conclusion about variant significance. c.90820G>T has been observed in an individual affected with Dilated Cardiomyopathy (Mazzarotto_2020). This report does not provide unequivocal conclusions about association of the variant with Dilated Cardiomyopathy or other TTN-related conditions. To our knowledge, no experimental evidence demonstrating an impact on protein function has been reported. The following publication have been ascertained in the context of this evaluation (PMID: 31983221). ClinVar contains an entry for this variant (Variation ID: 332712). Based on the evidence outlined above, the variant was classified as uncertain significance.

Revvity Omics, Revvity
Classification: Uncertain significance. Last evaluated: 2019-03-22. Review status: criteria provided, single submitter. Criteria: ACMG Guidelines, 2015. Collection method: clinical testing. Allele origin: germline.

Illumina Laboratory Services, Illumina
Classification: Uncertain significance for Myopathy, myofibrillar, 9, with early respiratory failure. Last evaluated: 2018-01-13. Review status: criteria provided, single submitter. Criteria: ICSL Variant Classification Criteria 13 December 2019. Collection method: clinical testing. Allele origin: germline.

Illumina Laboratory Services, Illumina
Classification: Uncertain significance for Autosomal recessive limb-girdle muscular dystrophy type 2J. Last evaluated: 2018-01-13. Review status: criteria provided, single submitter. Criteria: ICSL Variant Classification Criteria 13 December 2019. Collection method: clinical testing. Allele origin: germline.

Illumina Laboratory Services, Illumina
Classification: Uncertain significance for Early-onset myopathy with fatal cardiomyopathy. Last evaluated: 2018-01-13. Review status: criteria provided, single submitter. Criteria: ICSL Variant Classification Criteria 13 December 2019. Collection method: clinical testing. Allele origin: germline.

Illumina Laboratory Services, Illumina
Classification: Uncertain significance for Tibial muscular dystrophy. Last evaluated: 2018-01-13. Review status: criteria provided, single submitter. Criteria: ICSL Variant Classification Criteria 13 December 2019. Collection method: clinical testing. Allele origin: germline.

Illumina Laboratory Services, Illumina
Classification: Uncertain significance for Dilated cardiomyopathy 1G. Last evaluated: 2018-01-13. Review status: criteria provided, single submitter. Criteria: ICSL Variant Classification Criteria 13 December 2019. Collection method: clinical testing. Allele origin: germline.

Literature cited by the submitters: PubMed 31983221 (cited by Women's Health and Genetics/Laboratory Corporation of America, LabCorp).

NM_001267550.2(TTN):c.98524G>T (p.Ala32842Ser)

Genes: TTN (titin; minus strand), TTN-AS1 (TTN antisense RNA 1; plus strand). Cytogenetic location: 2q31.2.
Variant type: single nucleotide variant.
Coding change: c.98524G>T on transcript NM_001267550.2 (MANE Select); coding-DNA position 98524, G replaced by T.
Protein change: p.Ala32842Ser; replaces alanine 32842 with serine.
Molecular consequence: missense variant. On other transcripts: non-coding transcript variant (1).
Genome position (GRCh38, 1-based): chr2:178,539,541, C>A on the plus strand (G>T on the coding strand, the complement: TTN is on the minus strand). VCF-style: chr2-178539541-C-A. GRCh37 (hg19) VCF-style: chr2-179404268-C-A.
Other names: c.93601G>T, p.Ala31201Ser (NM_001256850.1); c.71329G>T, p.Ala23777Ser (NM_003319.4); c.90820G>T, p.Ala30274Ser (NM_133378.4); c.71704G>T, p.Ala23902Ser (NM_133432.3); c.71905G>T, p.Ala23969Ser (NM_133437.4); short protein forms A30274S, A32842S, A23902S, A31201S, A23777S, A23969S.
Identifiers: ClinVar variation 332712 (VCV000332712.8), dbSNP rs199647622, ClinGen allele CA10611598.
Genomic context (GRCh38, chr2:178,539,541, plus strand): 5'-CTTTGAGGCCTTTTACCACCAGAGATGTACCTCGGACTCTGGAATCAATGGTATACCAGG[C>A]GGCTTTAGGCACTTCTCGTCTCTCGAGGATGTAGCCTAAGATGTCAGCACCACCATCATC-3'
Protein context (NP_001254479.2, residues 32832-32852): ILERREVPKA[Ala32842Ser]WYTIDSRVRG